The following is an entry in ClinVar:

NM_014915.3(ANKRD26):c.5012T>G (p.Leu1671Trp)

Gene: ANKRD26 (ankyrin repeat domain 26; minus strand). Cytogenetic location: 10p12.1.
Variant type: single nucleotide variant.
Coding change: c.5012T>G on transcript NM_014915.3 (MANE Select); coding-DNA position 5012, T replaced by G.
Protein change: p.Leu1671Trp; replaces leucine 1671 with tryptophan.
Molecular consequence: missense variant.
Genome position (GRCh38, 1-based): chr10:27,005,711, A>C on the plus strand (T>G on the coding strand, the complement: ANKRD26 is on the minus strand). VCF-style: chr10-27005711-A-C. GRCh37 (hg19) VCF-style: chr10-27294640-A-C.
Other names: c.5009T>G, p.Leu1670Trp (NM_001256053.2); short protein forms L1671W, L1670W.
Identifiers: ClinVar variation 2768200 (VCV002768200.4), dbSNP rs765715267, ClinGen allele CA5447656.

ClinVar aggregate classification (germline): Uncertain significance. Review status: criteria provided, multiple submitters, no conflicts (2 of 4 stars). 2 submissions from 2 submitters: Uncertain significance (2). Last evaluated 2026-03-01.

Conditions:
Inborn genetic diseases. Identifiers: MedGen C0950123, MeSH D030342.

Allele frequency attached by ClinVar (database versions not stated): gnomAD exomes below 0.00001; ExAC 0.00001.
gnomAD v4.1: 2 of 1,609,076 alleles (0.00012%); highest among the groups gnomAD compares: East Asian, 0.0045%; no homozygotes.

Submissions (2):

Ambry Genetics
Classification: Uncertain significance for Inborn genetic diseases. Last evaluated: 2026-03-01. Review status: criteria provided, single submitter. Criteria: Ambry Variant Classification Scheme 2023. Collection method: clinical testing. Allele origin: germline.
Comment: The p.L1671W variant (also known as c.5012T>G), located in coding exon 34 of the ANKRD26 gene, results from a T to G substitution at nucleotide position 5012. The leucine at codon 1671 is replaced by tryptophan, an amino acid with similar properties. This amino acid position is conserved. In addition, this alteration is predicted to be tolerated by in silico analysis. Based on the available evidence, the clinical significance of this variant remains unclear.

Labcorp Genetics (formerly Invitae), Labcorp
Classification: Uncertain significance. Last evaluated: 2023-11-20. Review status: criteria provided, single submitter. Criteria: Invitae Variant Classification Sherloc (09022015). Collection method: clinical testing. Allele origin: germline.
Comment: This sequence change replaces leucine, which is neutral and non-polar, with tryptophan, which is neutral and slightly polar, at codon 1671 of the ANKRD26 protein (p.Leu1671Trp). This variant is present in population databases (rs765715267, gnomAD 0.01%). This variant has not been reported in the literature in individuals affected with ANKRD26-related conditions. An algorithm developed to predict the effect of missense changes on protein structure and function (PolyPhen-2) suggests that this variant is likely to be disruptive. In summary, the available evidence is currently insufficient to determine the role of this variant in disease. Therefore, it has been classified as a Variant of Uncertain Significance.